The following is an entry in ClinVar:

ClinVar aggregate classification (germline): Uncertain significance (1 of 4 stars; one submission).

Conditions:
Emery-Dreifuss muscular dystrophy (EDMD). Also called: Scapuloperoneal syndrome, X-linked (formerly); Humeroperoneal neuromuscular disease, (formerly). Identifiers: Orphanet 261, MedGen C0410189, MONDO:0016830.

Allele frequency attached by ClinVar (database versions not stated): gnomAD 0.00001; gnomAD exomes 0.00001; TOPMed 0.00001.
gnomAD v4.1: 8 of 1,613,576 alleles (0.0005%); highest among the groups gnomAD compares: African/African-American, 0.0027%; no homozygotes.

Submission:

Labcorp Genetics (formerly Invitae), Labcorp
Classification: Uncertain significance for Emery-Dreifuss muscular dystrophy. Last evaluated: 2022-02-03. Review status: criteria provided, single submitter. Criteria: Invitae Variant Classification Sherloc (09022015). Collection method: clinical testing. Allele origin: germline.
Comment: ClinVar contains an entry for this variant (Variation ID: 581660). This variant has not been reported in the literature in individuals affected with SUN1-related conditions. This variant is present in population databases (no rsID available, gnomAD 0.0009%). This sequence change replaces serine, which is neutral and polar, with leucine, which is neutral and non-polar, at codon 316 of the SUN1 protein (p.Ser316Leu). In summary, the available evidence is currently insufficient to determine the role of this variant in disease. Therefore, it has been classified as a Variant of Uncertain Significance. Algorithms developed to predict the effect of missense changes on protein structure and function are either unavailable or do not agree on the potential impact of this missense change (SIFT: "Deleterious"; PolyPhen-2: "Benign"; Align-GVGD: "Class C0").

NM_001130965.3(SUN1):c.947C>T (p.Ser316Leu)

Gene: SUN1 (Sad1 and UNC84 domain containing 1; plus strand). Cytogenetic location: 7p22.3.
Variant type: single nucleotide variant.
Coding change: c.947C>T on transcript NM_001130965.3 (MANE Select); coding-DNA position 947, C replaced by T.
Protein change: p.Ser316Leu; replaces serine 316 with leucine.
Molecular consequence: missense variant. On other transcripts: non-coding transcript variant (3), intron variant (1).
Genome position (GRCh38, 1-based): chr7:852,846, C>T. VCF-style: chr7-852846-C-T. GRCh37 (hg19) VCF-style: chr7-892483-C-T.
Other names: c.638C>T, p.Ser213Leu (NM_001171944.2); c.947C>T, p.Ser316Leu (NM_001367633.1, NM_001367634.1, NM_001367653.1 and 1 more transcripts); c.596C>T, p.Ser199Leu (NM_001367635.1); c.1187C>T, p.Ser396Leu (NM_001367636.1, NM_001367691.1); c.1055C>T, p.Ser352Leu (NM_001367638.1); c.488C>T, p.Ser163Leu (NM_001367639.1); c.1127C>T, p.Ser376Leu (NM_001367640.1); c.1229C>T, p.Ser410Leu (NM_001367641.1, NM_001367682.1); and 38 more; short protein forms S316L, S163L, S265L, S294L, S302L, S311L, S320L, S360L.
Identifiers: ClinVar variation 581660 (VCV000581660.10), dbSNP rs1445945190, ClinGen allele CA366530362.